The following is an entry in ClinVar:

ClinVar aggregate classification (germline): Uncertain significance/VUS-mid. Review status: criteria provided, multiple submitters, no conflicts (2 of 4 stars). 4 submissions from 4 submitters: Uncertain significance (3); VUS-mid (1). Last evaluated 2026-10-01.

Conditions:
Pulmonary fibrosis and/or bone marrow failure, Telomere-related, 3. Also called: PULMONARY FIBROSIS AND/OR BONE MARROW FAILURE SYNDROME, TELOMERE-RELATED, 3. Identifiers: Orphanet 2032, MedGen C4225346, MONDO:0014613, OMIM 616373.
Dyskeratosis congenita, autosomal recessive 5 (DKCB5). Identifiers: MedGen C3554656, MONDO:0014076, OMIM 615190.

Allele frequency attached by ClinVar (database versions not stated): gnomAD 0.00002; gnomAD exomes 0.00001; ExAC 0.00006.
gnomAD v4.1: 16 of 1,612,512 alleles (0.00099%); highest among the groups gnomAD compares: Admixed American, 0.022%; no homozygotes.

Submissions (4):

St. Jude Molecular Pathology, St. Jude Children's Research Hospital
Classification: Uncertain significance for Dyskeratosis congenita, autosomal recessive 5. Last evaluated: 2026-10-01. Review status: criteria provided, single submitter. Criteria: St. Jude Assertion Criteria 2020. Collection method: clinical testing. Allele origin: germline.
Comment: The RTEL1 c.3279C>G p.(Asp1093Glu) missense change has a maximum subpopulation frequency of 0.03% in gnomAD v2.1.1. The in silico tool REVEL predicts a benign effect on protein function, but to our knowledge this prediction has not been confirmed by functional studies. To our knowledge, this variant has not been reported in individuals with dyskeratosis congenita. In summary, the evidence currently available is insufficient to determine the clinical significance of this variant. It has therefore been classified as of uncertain significance (VUS-Low).

Centre for Medical Genetics,  Mumbai
Classification: VUS-mid for Pulmonary fibrosis and/or bone marrow failure, Telomere-related, 3. Last evaluated: 2026-04-22. Review status: criteria provided, single submitter. Criteria: ACMG Guidelines, 2015. Collection method: provider interpretation. Allele origin: germline. Inheritance: Autosomal dominant inheritance. Affected: yes. Observed: 1 variant allele, 1 heterozygote.
Comment: The variant satisfies PM2 criteria - extremely low frequency in gnomAD population databases. The variant satisfies BP4 criteria - for a missense or a splice region variant, computational prediction tools unanimously support a benign effect on the gene. However, due to lack of sufficient clinical evidence, the variant could be a variant of uncertain significance (mid - VUS according to the Bayesian framework)

Labcorp Genetics (formerly Invitae), Labcorp
Classification: Uncertain significance for Dyskeratosis congenita, autosomal recessive 5; Pulmonary fibrosis and/or bone marrow failure, Telomere-related, 3. Last evaluated: 2024-04-10. Review status: criteria provided, single submitter. Criteria: Invitae Variant Classification Sherloc (09022015). Collection method: clinical testing. Allele origin: germline.
Comment: This sequence change replaces aspartic acid, which is acidic and polar, with glutamic acid, which is acidic and polar, at codon 1093 of the RTEL1 protein (p.Asp1093Glu). This variant is present in population databases (rs756242989, gnomAD 0.03%). This variant has not been reported in the literature in individuals affected with RTEL1-related conditions. ClinVar contains an entry for this variant (Variation ID: 2069338). Algorithms developed to predict the effect of missense changes on protein structure and function output the following: SIFT: "Not Available"; PolyPhen-2: "Benign"; Align-GVGD: "Not Available". The glutamic acid amino acid residue is found in multiple mammalian species, which suggests that this missense change does not adversely affect protein function. In summary, the available evidence is currently insufficient to determine the role of this variant in disease. Therefore, it has been classified as a Variant of Uncertain Significance.

GeneDx
Classification: Uncertain significance. Last evaluated: 2024-04-01. Review status: criteria provided, single submitter. Criteria: GeneDx Variant Classification Process June 2021. Collection method: clinical testing. Allele origin: germline. Affected: yes.
Comment: In silico analysis supports that this missense variant does not alter protein structure/function; Has not been previously published as pathogenic or benign to our knowledge

Literature cited by the submitters: PubMed 25848748 (cited by Centre for Medical Genetics,  Mumbai).

NM_001283009.2(RTEL1):c.3279C>G (p.Asp1093Glu)

Genes: RTEL1 (regulator of telomere elongation helicase 1; plus strand), RTEL1-TNFRSF6B (RTEL1-TNFRSF6B readthrough (NMD candidate); plus strand). Cytogenetic location: 20q13.33.
Variant type: single nucleotide variant.
Coding change: c.3279C>G on transcript NM_001283009.2 (MANE Select); coding-DNA position 3279, C replaced by G.
Protein change: p.Asp1093Glu; replaces aspartic acid 1093 with glutamic acid.
Molecular consequence: missense variant. On other transcripts: non-coding transcript variant (1).
Genome position (GRCh38, 1-based): chr20:63,694,910, C>G. VCF-style: chr20-63694910-C-G. GRCh37 (hg19) VCF-style: chr20-62326263-C-G.
Other names: c.2610C>G, p.Asp870Glu (NM_001283010.1); c.3279C>G, p.Asp1093Glu (NM_016434.4); c.3351C>G, p.Asp1117Glu (NM_032957.5); c.3351C>G (NM_032957.4); short protein forms D870E, D1093E, D1117E.
Identifiers: ClinVar variation 2069338 (VCV002069338.7), dbSNP rs756242989, ClinGen allele CA9965935.